The following is an entry in ClinVar:

NM_001127649.3(PEX26):c.539_540dup (p.Val181Ter)

Gene: PEX26 (peroxisomal biogenesis factor 26; plus strand). Cytogenetic location: 22q11.21.
Variant type: Duplication.
Coding change: c.539_540dup on transcript NM_001127649.3 (MANE Select); coding-DNA positions 539 to 540, 2 bases duplicated (TA; older notation c.539_540dupTA).
Protein change: p.Val181Ter; replaces valine 181 with a stop codon.
Molecular consequence: nonsense.
Genome position (GRCh38, 1-based): chr22:18,083,604-18,083,605, TA duplicated. VCF-style (leftmost placement, unchanged base first): chr22-18083603-C-CTA. GRCh37 (hg19) VCF-style: chr22-18566369-C-CTA.
Other names: c.539_540dup, p.Val181Ter (NM_001199319.2, NM_017929.6); short protein forms V181*.
Identifiers: ClinVar variation 3759593 (VCV003759593.2).

ClinVar aggregate classification (germline): Pathogenic (1 of 4 stars; one submission).

Conditions:
Peroxisome biogenesis disorder 7A (Zellweger). Also called: Peroxisome biogenesis disorder 7A. Identifiers: Orphanet 912, MedGen C3888385, MONDO:0013938, OMIM 614872.
Peroxisome biogenesis disorder 7B (PBD7B). Identifiers: Orphanet 44, MedGen C3553951, MONDO:0013939, OMIM 614873.

Submission:

Labcorp Genetics (formerly Invitae), Labcorp
Classification: Pathogenic for Peroxisome biogenesis disorder 7A (Zellweger); Peroxisome biogenesis disorder 7B. Last evaluated: 2024-10-27. Review status: criteria provided, single submitter. Criteria: Invitae Variant Classification Sherloc (09022015). Collection method: clinical testing. Allele origin: germline.
Comment: This sequence change creates a premature translational stop signal (p.Val181*) in the PEX26 gene. It is expected to result in an absent or disrupted protein product. Loss-of-function variants in PEX26 are known to be pathogenic (PMID: 12851857, 21031596). This variant is not present in population databases (gnomAD no frequency). This variant has not been reported in the literature in individuals affected with PEX26-related conditions. Algorithms developed to predict the effect of sequence changes on RNA splicing suggest that this variant may disrupt the consensus splice site. For these reasons, this variant has been classified as Pathogenic.

Literature cited by the submitters: PubMed 12851857; PubMed 21031596.